The following is an entry in ClinVar:

NM_001258392.3(CLPB):c.896G>C (p.Arg299Pro)

Gene: CLPB (ClpB family mitochondrial disaggregase; minus strand). Cytogenetic location: 11q13.4.
Variant type: single nucleotide variant.
Coding change: c.896G>C on transcript NM_001258392.3 (MANE Select); coding-DNA position 896, G replaced by C.
Protein change: p.Arg299Pro; replaces arginine 299 with proline.
Molecular consequence: missense variant.
Genome position (GRCh38, 1-based): chr11:72,317,198, C>G on the plus strand (G>C on the coding strand, the complement: CLPB is on the minus strand). VCF-style: chr11-72317198-C-G. GRCh37 (hg19) VCF-style: chr11-72028242-C-G.
Other names: c.809G>C, p.Arg270Pro (NM_001258393.3); c.851G>C, p.Arg284Pro (NM_001258394.3); c.986G>C, p.Arg329Pro (NM_030813.6); c.986G>C (NM_030813.3); short protein forms R284P, R329P, R270P, R299P.
Identifiers: ClinVar variation 1037936 (VCV001037936.8), dbSNP rs547532550, ClinGen allele CA224395758.

ClinVar aggregate classification (germline): Uncertain significance. Review status: criteria provided, multiple submitters, no conflicts (2 of 4 stars). 2 submissions from 2 submitters: Uncertain significance (2). Last evaluated 2024-12-10.

Conditions:
3-methylglutaconic aciduria, type VIIB (MGCA7B). Also called: 3-methylglutaconic aciduria, type VII, with cataracts, neurologic involvement and neutropenia; 3-methylglutaconic aciduria with cataracts, neurologic involvement and neutropenia; CLPB Deficiency. Identifiers: Orphanet 445038, MedGen C5676893, MONDO:0014561, OMIM 616271.
Inborn genetic diseases. Identifiers: MedGen C0950123, MeSH D030342.

Allele frequency attached by ClinVar (database versions not stated): TOPMed 0.00001.
gnomAD v4.1: 5 of 1,611,408 alleles (0.00031%); highest among the groups gnomAD compares: Non-Finnish European, 0.00042%; no homozygotes.

Submissions (2):

Labcorp Genetics (formerly Invitae), Labcorp
Classification: Uncertain significance for 3-methylglutaconic aciduria, type VIIB. Last evaluated: 2024-12-10. Review status: criteria provided, single submitter. Criteria: Invitae Variant Classification Sherloc (09022015). Collection method: clinical testing. Allele origin: germline.
Comment: This sequence change replaces arginine, which is basic and polar, with proline, which is neutral and non-polar, at codon 329 of the CLPB protein (p.Arg329Pro). This variant is not present in population databases (gnomAD no frequency). This variant has not been reported in the literature in individuals affected with CLPB-related conditions. ClinVar contains an entry for this variant (Variation ID: 1037936). An algorithm developed to predict the effect of missense changes on protein structure and function (PolyPhen-2) suggests that this variant is likely to be tolerated. In summary, the available evidence is currently insufficient to determine the role of this variant in disease. Therefore, it has been classified as a Variant of Uncertain Significance.

Ambry Genetics
Classification: Uncertain significance for Inborn genetic diseases. Last evaluated: 2021-07-06. Review status: criteria provided, single submitter. Criteria: Ambry Variant Classification Scheme 2023. Collection method: clinical testing. Allele origin: germline.